The following is an entry in ClinVar:

GRCh38/hg38 Xp22.31(chrX:6537236-8167012)x0

Genes: MIR4767 (microRNA 4767; plus strand), MIR651 (microRNA 651; plus strand), PNPLA4 (patatin like domain 4, phospholipase and triacylglycerol lipase; minus strand), PUDP (pseudouridine 5'-phosphatase; minus strand), STS (steroid sulfatase; plus strand) and 21 more. Cytogenetic location: Xp22.31.
Variant type: copy number gain.
Change: copy number 0 of chrX:6,537,236-8,167,012 (1.63 Mb, GRCh38 coordinates, 1-based), cytogenetic band Xp22.31.
Identifiers: ClinVar variation 4796337 (VCV004796337.1).

ClinVar aggregate classification (germline): Pathogenic (1 of 4 stars; one submission).

Submission:

Medical Genetic Center, Changzhi Maternal and Child Health Care Hospital
Classification: Pathogenic. Last evaluated: 2025-12-10. Review status: criteria provided, single submitter. Criteria: ACMG/ClinGen CNV Guidelines, 2019. Collection method: clinical testing. Allele origin: unknown.
Comment: 2A:Xp22.31 recurrent region (includes STS)